The following is an entry in ClinVar:

NM_000548.5(TSC2):c.3403del (p.His1135fs)

Gene: TSC2 (TSC complex subunit 2; plus strand). Cytogenetic location: 16p13.3.
Variant type: Deletion.
Coding change: c.3403del on transcript NM_000548.5 (MANE Select); coding-DNA position 3403, one base deleted (C; older notation c.3403delC).
Protein change: p.His1135fs; shifts the reading frame from histidine 1135.
Molecular consequence: frameshift variant.
Genome position (GRCh38, 1-based): chr16:2,080,170, C deleted; the last of 2 consecutive C bases (chr16:2,080,169-2,080,170); deleting either gives the same sequence. VCF-style (leftmost placement, unchanged base first): chr16-2080168-GC-G. GRCh37 (hg19) VCF-style: chr16-2130169-GC-G.
Other names: c.3271del, p.His1091fs (NM_001077183.3, NM_001370404.1); c.3403del, p.His1135fs (NM_001114382.3); c.3163del, p.His1055fs (NM_001318827.2); c.3127del, p.His1043fs (NM_001318829.2); c.2671del, p.His891fs (NM_001318831.2); c.3304del, p.His1102fs (NM_001318832.2); c.3274del, p.His1092fs (NM_001363528.2, NM_001370405.1, NM_021055.3); short protein forms H1043fs, H1055fs, H1091fs, H1102fs, H1092fs, H1135fs, H891fs.
Identifiers: ClinVar variation 817112 (VCV000817112.1), dbSNP rs1596389437, ClinGen allele CA915946295.
Genomic context (GRCh38, chr16:2,080,168, plus strand): 5'-GCTGGTGGTTTTGCATCAGGTAAGTGGTGGTCACCAGTCCTCTGCCCTCTTCTTCAGGGG[GC>G]CATGGTCTTCGAGTTGGCGCCCTGGACGTGCCGGCCTCCCAGTTCCTGGGCAGTGCCACT-3'

ClinVar aggregate classification (germline): Pathogenic (1 of 4 stars; one submission).

Submission:

GeneDx
Classification: Pathogenic. Last evaluated: 2018-06-20. Review status: criteria provided, single submitter. Criteria: GeneDx Variant Classification (06012015). Collection method: clinical testing. Allele origin: germline. Affected: yes.
Comment: The c.3403delC pathogenic variant in the TSC2 gene has been reported previously in association with tuberous sclerosis complex (Humphrey et al., 2004). The c.3403delC pathogenic variant causes a frameshift starting with codon Histidine 1135, changes this amino acid to a Methionine residue and creates a premature Stop codon at position 56 of the new reading frame, denoted p.His1135MetfsX56. This pathogenic variant is predicted to cause loss of normal protein function either through protein truncation or nonsense-mediated mRNA decay. Additionally, the c.3403delC variant is not observed in large population cohorts (Lek et al., 2016). Therefore, the presence of c.3403delC is consistent with the diagnosis of TSC in this individual.